The following is an entry in ClinVar:

ClinVar aggregate classification (germline): Uncertain significance (1 of 4 stars; one submission).

Conditions:
Hereditary cancer-predisposing syndrome. Also called: Neoplastic Syndromes, Hereditary; Tumor predisposition; Hereditary neoplastic syndrome; Hereditary Cancer Syndrome. Identifiers: Orphanet 140162, MedGen C0027672, MeSH D009386, MONDO:0015356.

Submission:

Ambry Genetics
Classification: Uncertain significance for Hereditary cancer-predisposing syndrome. Last evaluated: 2026-09-10. Review status: criteria provided, single submitter. Criteria: Ambry Variant Classification Scheme 2023. Collection method: clinical testing. Allele origin: germline.
Comment: The c.8953G>T variant (also known as p.V2985F), located in coding exon 21 of the BRCA2 gene, results from a G to T substitution at nucleotide position 8953. The amino acid change results in valine to phenylalanine at codon 2985, an amino acid with highly similar properties. However, this change occurs in the last base pair of coding exon 21 and may have some effect on normal mRNA splicing. Two saturation genome editing-based studies, including a haploid cell-survival assay and a humanized mouse embryonic stem cell line assay of drug response and survival, demonstrate that this nucleotide substitution may be functional; however, additional evidence is needed to confirm these findings (Huang H et al. Nature. 2025 Feb;638(8050):528-537; Sahu S et al. Nature. 2025 Feb;638(8050):538-545). This amino acid position is not well conserved in available vertebrate species. In silico splice site analysis predicts that this alteration will not have any significant effect on splicing. In addition, the in silico prediction for this alteration is inconclusive. Based on the available evidence, the clinical significance of this variant remains unclear.

NM_000059.4(BRCA2):c.8953G>T (p.Val2985Phe)

Gene: BRCA2 (BRCA2 DNA repair associated; plus strand). Cytogenetic location: 13q13.1.
Variant type: single nucleotide variant.
Coding change: c.8953G>T on transcript NM_000059.4 (MANE Select); coding-DNA position 8953, G replaced by T.
Protein change: p.Val2985Phe; replaces valine 2985 with phenylalanine.
Molecular consequence: missense variant. On other transcripts: nonsense (1), non-coding transcript variant (1).
Genome position (GRCh38, 1-based): chr13:32,379,515, G>T. VCF-style: chr13-32379515-G-T. GRCh37 (hg19) VCF-style: chr13-32953652-G-T.
Other names: c.8857G>T, p.Val2953Phe (NM_001406719.1); c.8953G>T, p.Glu2985Ter (NM_001406720.1); c.4021G>T, p.Val1341Phe (NM_001406721.1); c.2536G>T, p.Val846Phe (NM_001406722.1); c.8953G>T, p.Val2985Phe (NM_001432077.1); short protein forms E2985*, V2985F, V1341F, V2953F, V846F.
Identifiers: ClinVar variation 5033363 (VCV005033363.1).